The following is an entry in ClinVar:

NM_001371596.2(MFSD8):c.995A>C (p.Lys332Thr)

Gene: MFSD8 (major facilitator superfamily domain containing 8; minus strand). Cytogenetic location: 4q28.2.
Variant type: single nucleotide variant.
Coding change: c.995A>C on transcript NM_001371596.2 (MANE Select); coding-DNA position 995, A replaced by C.
Protein change: p.Lys332Thr; replaces lysine 332 with threonine.
Molecular consequence: missense variant.
Genome position (GRCh38, 1-based): chr4:127,930,686, T>G on the plus strand (A>C on the coding strand, the complement: MFSD8 is on the minus strand). VCF-style: chr4-127930686-T-G. GRCh37 (hg19) VCF-style: chr4-128851841-T-G.
Other names: c.794A>C, p.Lys265Thr (NM_001363520.3); c.680A>C, p.Lys227Thr (NM_001363521.3); c.860A>C, p.Lys287Thr (NM_001371590.2); c.995A>C, p.Lys332Thr (NM_001371591.2, NM_152778.4); c.1001A>C, p.Lys334Thr (NM_001371592.2); c.881A>C, p.Lys294Thr (NM_001371593.2, NM_001410766.1); c.848A>C, p.Lys283Thr (NM_001371594.2); c.713A>C, p.Lys238Thr (NM_001371595.1); and 1 more; short protein forms K227T, K294T, K238T, K265T, K287T, K283T, K332T, K334T.
Identifiers: ClinVar variation 1470981 (VCV001470981.7), dbSNP rs2148873265, ClinGen allele CA358173464.

ClinVar aggregate classification (germline): Uncertain significance (1 of 4 stars; one submission).

Conditions:
Neuronal ceroid lipofuscinosis 7 (CLN7). Also called: MFSD8-Related Neuronal Ceroid-Lipofuscinosis. Identifiers: Orphanet 168491, Orphanet 228366, MedGen C1838571, MONDO:0012588, OMIM 610951.

Submission:

Labcorp Genetics (formerly Invitae), Labcorp
Classification: Uncertain significance for Neuronal ceroid lipofuscinosis 7. Last evaluated: 2022-10-17. Review status: criteria provided, single submitter. Criteria: Invitae Variant Classification Sherloc (09022015). Collection method: clinical testing. Allele origin: germline.
Comment: In summary, the available evidence is currently insufficient to determine the role of this variant in disease. Therefore, it has been classified as a Variant of Uncertain Significance. Advanced modeling of protein sequence and biophysical properties (such as structural, functional, and spatial information, amino acid conservation, physicochemical variation, residue mobility, and thermodynamic stability) performed at Invitae indicates that this missense variant is not expected to disrupt MFSD8 protein function. ClinVar contains an entry for this variant (Variation ID: 1470981). This variant has not been reported in the literature in individuals affected with MFSD8-related conditions. This variant is not present in population databases (gnomAD no frequency). This sequence change replaces lysine, which is basic and polar, with threonine, which is neutral and polar, at codon 332 of the MFSD8 protein (p.Lys332Thr).